The following is an entry in ClinVar:

NM_031885.5(BBS2):c.993C>T (p.Thr331=)

Gene: BBS2 (Bardet-Biedl syndrome 2; minus strand). Cytogenetic location: 16q13.
Variant type: single nucleotide variant.
Coding change: c.993C>T on transcript NM_031885.5 (MANE Select); coding-DNA position 993, C replaced by T.
Protein change: p.Thr331=; no amino-acid change (threonine 331 retained).
Molecular consequence: synonymous variant. On other transcripts: non-coding transcript variant (5).
Genome position (GRCh38, 1-based): chr16:56,502,404, G>A on the plus strand (C>T on the coding strand, the complement: BBS2 is on the minus strand). VCF-style: chr16-56502404-G-A. GRCh37 (hg19) VCF-style: chr16-56536316-G-A.
Other names: c.993C>T, p.Thr331= (NM_001377456.1); c.993C>T (NM_031885.3).
Identifiers: ClinVar variation 1138290 (VCV001138290.10), dbSNP rs1964300336, ClinGen allele CA495587332.

ClinVar aggregate classification (germline): Likely benign. Review status: criteria provided, multiple submitters, no conflicts (2 of 4 stars). 2 submissions from 2 submitters: Likely benign (2). Last evaluated 2026-01-11.

Conditions:
BBS2-related disorder. Also called: BBS2-related condition; BBS2-related disorders. Identifiers: MedGen CN239228.
Bardet-Biedl syndrome (BBS). Identifiers: Orphanet 110, MedGen C0752166, MONDO:0015229.

Allele frequency attached by ClinVar (database versions not stated): gnomAD exomes below 0.00001.
gnomAD v4.1: 2 of 1,614,188 alleles (0.00012%); no homozygotes.

Submissions (2):

Labcorp Genetics (formerly Invitae), Labcorp
Classification: Likely benign for Bardet-Biedl syndrome. Last evaluated: 2026-01-11. Review status: criteria provided, single submitter. Criteria: Invitae Variant Classification Sherloc (09022015). Collection method: clinical testing. Allele origin: germline.

PreventionGenetics, part of Exact Sciences
Classification: Likely benign for BBS2-related condition. Last evaluated: 2025-04-23. Review status: criteria provided, single submitter. Criteria: ACMG Guidelines, 2015. Collection method: clinical testing. Allele origin: germline.
Comment: This variant is classified as likely benign based on ACMG/AMP sequence variant interpretation guidelines (Richards et al. 2015 PMID: 25741868, with internal and published modifications).